The following is an entry in ClinVar:

NM_001267550.2(TTN):c.106097G>A (p.Gly35366Glu)

Genes: TTN-AS1 (TTN antisense RNA 1; plus strand), TTN (titin; minus strand), LOC129935182 (ATAC-STARR-seq lymphoblastoid active region 16807; plus strand). Cytogenetic location: 2q31.2.
Variant type: single nucleotide variant.
Coding change: c.106097G>A on transcript NM_001267550.2 (MANE Select); coding-DNA position 106097, G replaced by A.
Protein change: p.Gly35366Glu; replaces glycine 35366 with glutamic acid.
Molecular consequence: missense variant.
Genome position (GRCh38, 1-based): chr2:178,530,518, C>T on the plus strand (G>A on the coding strand, the complement: TTN is on the minus strand). VCF-style: chr2-178530518-C-T. GRCh37 (hg19) VCF-style: chr2-179395245-C-T.
Other names: c.101174G>A, p.Gly33725Glu (NM_001256850.1); c.78902G>A, p.Gly26301Glu (NM_003319.4); c.98393G>A, p.Gly32798Glu (NM_133378.4); c.79277G>A, p.Gly26426Glu (NM_133432.3); c.79478G>A, p.Gly26493Glu (NM_133437.4); short protein forms G26301E, G26426E, G26493E, G32798E, G33725E, G35366E.
Identifiers: ClinVar variation 3756281 (VCV003756281.2).

ClinVar aggregate classification (germline): Uncertain significance (1 of 4 stars; one submission).

Conditions:
Dilated cardiomyopathy 1G (CMD1G). Identifiers: Orphanet 154, MedGen C1858763, MONDO:0011400, OMIM 604145.
Autosomal recessive limb-girdle muscular dystrophy type 2J (LGMDR10). Also called: Limb-girdle muscular dystrophy, type 2J; MUSCULAR DYSTROPHY, LIMB-GIRDLE, AUTOSOMAL RECESSIVE 10. Identifiers: Orphanet 140922, MedGen C1837342, MONDO:0012127, OMIM 608807.

gnomAD v4.1: 1 of 1,613,962 alleles (0.000062%); highest among the groups gnomAD compares: Non-Finnish European, 0.000085%; no homozygotes.

Submission:

Labcorp Genetics (formerly Invitae), Labcorp
Classification: Uncertain significance for Dilated cardiomyopathy 1G; Autosomal recessive limb-girdle muscular dystrophy type 2J. Last evaluated: 2025-01-08. Review status: criteria provided, single submitter. Criteria: Invitae Variant Classification Sherloc (09022015). Collection method: clinical testing. Allele origin: germline.
Comment: This sequence change replaces glycine, which is neutral and non-polar, with glutamic acid, which is acidic and polar, at codon 35366 of the TTN protein (p.Gly35366Glu). This variant is not present in population databases (gnomAD no frequency). This variant has not been reported in the literature in individuals affected with TTN-related conditions. Experimental studies and prediction algorithms are not available or were not evaluated, and the functional significance of this variant is currently unknown. This variant is located in the M band of TTN (PMID: 25589632). Non-truncating variants in this region may be relevant for neuromuscular disorders, but have not been definitively shown to cause cardiomyopathy (PMID: 23975875). In summary, the available evidence is currently insufficient to determine the role of this variant in disease. Therefore, it has been classified as a Variant of Uncertain Significance.

Literature cited by the submitters: PubMed 25589632; PubMed 23975875.